The following is an entry in ClinVar:

NM_000204.5(CFI):c.1415G>A (p.Trp472Ter)

Gene: CFI (complement factor I; minus strand). Cytogenetic location: 4q25.
Variant type: single nucleotide variant.
Coding change: c.1415G>A on transcript NM_000204.5 (MANE Select); coding-DNA position 1415, G replaced by A.
Protein change: p.Trp472Ter; replaces tryptophan 472 with a stop codon.
Molecular consequence: nonsense. On other transcripts: non-coding transcript variant (2).
Genome position (GRCh38, 1-based): chr4:109,746,236, C>T on the plus strand (G>A on the coding strand, the complement: CFI is on the minus strand). VCF-style: chr4-109746236-C-T. GRCh37 (hg19) VCF-style: chr4-110667392-C-T.
Other names: c.1439G>A, p.Trp480Ter (NM_001318057.2, NM_001375278.1); c.1394G>A, p.Trp465Ter (NM_001331035.2, NM_001375282.1, NM_001375280.1); c.1358G>A, p.Trp453Ter (NM_001375283.1); c.1415G>A, p.Trp472Ter (NM_001375279.1, NM_001375281.1); c.806G>A, p.Trp269Ter (NM_001375284.1); short protein forms W269*, W472*, W453*, W465*, W480*.
Identifiers: ClinVar variation 2003867 (VCV002003867.5), dbSNP rs2545375332, ClinGen allele CA357856574.

ClinVar aggregate classification (germline): Pathogenic/Pathogenic, low penetrance. Review status: criteria provided, multiple submitters, no conflicts (2 of 4 stars). 2 submissions from 2 submitters: Pathogenic (1); Pathogenic, low penetrance (1). Last evaluated 2025-09-26.

Conditions:
Atypical hemolytic-uremic syndrome. Identifiers: Orphanet 2134, MedGen C2931788, MONDO:0016244.

Submissions (2):

Genomenon, Inc
Classification: Pathogenic, low penetrance for Atypical hemolytic-uremic syndrome. Last evaluated: 2025-09-26. Review status: criteria provided, single submitter. Criteria: Genomenon Sequence Variant Interpretation Standards - Updated. Collection method: curation. Allele origin: germline. Affected: yes.
Comment: CFI p.Trp472Ter (c.1415G>A) is a nonsense variant that introduces a premature stop codon at amino acid position 472, creating a truncated protein that is predicted to undergo nonsense-mediated mRNA decay. This variant has been observed in at least one proband affected with atypical hemolytic-uremic syndrome (PMID:35619721). It is absent or not present at a significant frequency in gnomAD. In conclusion, we classify CFI p.Trp472Ter (c.1415G>A) as a pathogenic, low penetrance variant.

Labcorp Genetics (formerly Invitae), Labcorp
Classification: Pathogenic. Last evaluated: 2022-06-09. Review status: criteria provided, single submitter. Criteria: Invitae Variant Classification Sherloc (09022015). Collection method: clinical testing. Allele origin: germline.
Comment: This variant is not present in population databases (gnomAD no frequency). For these reasons, this variant has been classified as Pathogenic. This variant has not been reported in the literature in individuals affected with CFI-related conditions. This sequence change creates a premature translational stop signal (p.Trp472*) in the CFI gene. It is expected to result in an absent or disrupted protein product. Loss-of-function variants in CFI are known to be pathogenic (PMID: 15917334, 16621965, 19065647, 20016463, 22710145).

Literature cited by the submitters: PubMed 35619721 (cited by Genomenon, Inc); PubMed 15917334 (cited by Labcorp Genetics (formerly Invitae), Labcorp); PubMed 16621965 (cited by Labcorp Genetics (formerly Invitae), Labcorp); PubMed 19065647 (cited by Labcorp Genetics (formerly Invitae), Labcorp); PubMed 20016463 (cited by Labcorp Genetics (formerly Invitae), Labcorp); PubMed 22710145 (cited by Labcorp Genetics (formerly Invitae), Labcorp).